The following is an entry in ClinVar:

NM_198428.3(BBS9):c.2621C>T (p.Thr874Ile)

Gene: BBS9 (Bardet-Biedl syndrome 9; plus strand). Cytogenetic location: 7p14.3.
Variant type: single nucleotide variant.
Coding change: c.2621C>T on transcript NM_198428.3 (MANE Select); coding-DNA position 2621, C replaced by T.
Protein change: p.Thr874Ile; replaces threonine 874 with isoleucine.
Molecular consequence: missense variant. On other transcripts: non-coding transcript variant (3), intron variant (1).
Genome position (GRCh38, 1-based): chr7:33,604,964, C>T. VCF-style: chr7-33604964-C-T. GRCh37 (hg19) VCF-style: chr7-33644576-C-T.
Other names: c.2516C>T, p.Thr839Ile (NM_001033604.2); c.2606C>T, p.Thr869Ile (NM_001033605.2); c.2621C>T, p.Thr874Ile (NM_001348036.1, NM_001348041.4, NM_001348043.3); c.2072C>T, p.Thr691Ile (NM_001348037.3); c.2348C>T, p.Thr783Ile (NM_001348038.3); c.2243C>T, p.Thr748Ile (NM_001348039.3); c.2501C>T, p.Thr834Ile (NM_001348040.3, NM_014451.4); c.2486C>T, p.Thr829Ile (NM_001348042.3); and 4 more; short protein forms T717I, T748I, T874I, T691I, T783I, T869I, T752I, T829I.
Identifiers: ClinVar variation 1431088 (VCV001431088.9), dbSNP rs750363787, ClinGen allele CA4214743.

ClinVar aggregate classification (germline): Uncertain significance. Review status: criteria provided, multiple submitters, no conflicts (2 of 4 stars). 2 submissions from 2 submitters: Uncertain significance (2). Last evaluated 2025-06-12.

Conditions:
BBS9-related disorder. Also called: BBS9-related condition.
Bardet-Biedl syndrome (BBS). Identifiers: Orphanet 110, MedGen C0752166, MONDO:0015229.

Allele frequency attached by ClinVar (database versions not stated): gnomAD exomes below 0.00001 and 0.00001; ExAC 0.00001.
gnomAD v4.1: 4 of 1,609,334 alleles (0.00025%); highest among the groups gnomAD compares: Non-Finnish European, 0.00034%; no homozygotes.

Submissions (2):

PreventionGenetics, part of Exact Sciences
Classification: Uncertain significance for BBS9-related condition. Last evaluated: 2025-06-12. Review status: criteria provided, single submitter. Criteria: ACMG Guidelines, 2015. Collection method: clinical testing. Allele origin: germline.
Comment: The BBS9 c.2621C>T variant is predicted to result in the amino acid substitution p.Thr874Ile. To our knowledge, this variant has not been reported in the literature. This variant is reported in 0.0018% of alleles in individuals of European (Non-Finnish) descent in gnomAD. At this time, the clinical significance of this variant is uncertain due to the absence of conclusive functional and genetic evidence.

Labcorp Genetics (formerly Invitae), Labcorp
Classification: Uncertain significance for Bardet-Biedl syndrome. Last evaluated: 2022-05-06. Review status: criteria provided, single submitter. Criteria: Invitae Variant Classification Sherloc (09022015). Collection method: clinical testing. Allele origin: germline.
Comment: This sequence change replaces threonine, which is neutral and polar, with isoleucine, which is neutral and non-polar, at codon 874 of the BBS9 protein (p.Thr874Ile). This variant is present in population databases (rs750363787, gnomAD 0.0009%). This variant has not been reported in the literature in individuals affected with BBS9-related conditions. Algorithms developed to predict the effect of missense changes on protein structure and function are either unavailable or do not agree on the potential impact of this missense change (SIFT: "Deleterious"; PolyPhen-2: "Benign"; Align-GVGD: "Class C0"). In summary, the available evidence is currently insufficient to determine the role of this variant in disease. Therefore, it has been classified as a Variant of Uncertain Significance.